The following is an entry in ClinVar:

ClinVar aggregate classification (germline): Uncertain significance (1 of 4 stars; one submission).

Submission:

GeneDx
Classification: Uncertain significance. Last evaluated: 2024-08-14. Review status: criteria provided, single submitter. Criteria: GeneDx Variant Classification Process June 2021. Collection method: clinical testing. Allele origin: germline. Affected: yes.
Comment: Not observed at significant frequency in large population cohorts (gnomAD); In silico analysis supports that this missense variant has a deleterious effect on protein structure/function; Has not been previously published as pathogenic or benign to our knowledge

NM_002439.5(MSH3):c.2077G>C (p.Ala693Pro)

Gene: MSH3 (mutS homolog 3; plus strand). Cytogenetic location: 5q14.1.
Variant type: single nucleotide variant.
Coding change: c.2077G>C on transcript NM_002439.5 (MANE Select); coding-DNA position 2077, G replaced by C.
Protein change: p.Ala693Pro; replaces alanine 693 with proline.
Molecular consequence: missense variant.
Genome position (GRCh38, 1-based): chr5:80,768,113, G>C. VCF-style: chr5-80768113-G-C. GRCh37 (hg19) VCF-style: chr5-80063932-G-C.
Other names: short protein forms A693P.
Identifiers: ClinVar variation 3731153 (VCV003731153.1).